The following is an entry in ClinVar:

NM_001363711.2(DUOX2):c.3279G>A (p.Met1093Ile)

Gene: DUOX2 (dual oxidase 2; minus strand). Cytogenetic location: 15q21.1.
Variant type: single nucleotide variant.
Coding change: c.3279G>A on transcript NM_001363711.2 (MANE Select); coding-DNA position 3279, G replaced by A.
Protein change: p.Met1093Ile; replaces methionine 1093 with isoleucine.
Molecular consequence: missense variant.
Genome position (GRCh38, 1-based): chr15:45,099,798, C>T on the plus strand (G>A on the coding strand, the complement: DUOX2 is on the minus strand). VCF-style: chr15-45099798-C-T. GRCh37 (hg19) VCF-style: chr15-45391996-C-T.
Other names: c.3279G>A, p.Met1093Ile (NM_014080.5); short protein forms M1093I.
Identifiers: ClinVar variation 3086176 (VCV003086176.3), dbSNP rs757796376, ClinGen allele CA7537934.

ClinVar aggregate classification (germline): Uncertain significance. Review status: criteria provided, multiple submitters, no conflicts (2 of 4 stars). 2 submissions from 2 submitters: Uncertain significance (2). Last evaluated 2025-01-26.

Conditions:
Inborn genetic diseases. Identifiers: MedGen C0950123, MeSH D030342.

Allele frequency attached by ClinVar (database versions not stated): ExAC 0.00001; gnomAD exomes 0.00001; TOPMed 0.00003.

Submissions (2):

Labcorp Genetics (formerly Invitae), Labcorp
Classification: Uncertain significance. Last evaluated: 2025-01-26. Review status: criteria provided, single submitter. Criteria: Invitae Variant Classification Sherloc (09022015). Collection method: clinical testing. Allele origin: germline.
Comment: This sequence change replaces methionine, which is neutral and non-polar, with isoleucine, which is neutral and non-polar, at codon 1093 of the DUOX2 protein (p.Met1093Ile). This variant is present in population databases (rs757796376, gnomAD 0.003%). This variant has not been reported in the literature in individuals affected with DUOX2-related conditions. ClinVar contains an entry for this variant (Variation ID: 3086176). Invitae Evidence Modeling of protein sequence and biophysical properties (such as structural, functional, and spatial information, amino acid conservation, physicochemical variation, residue mobility, and thermodynamic stability) indicates that this missense variant is expected to disrupt DUOX2 protein function with a positive predictive value of 80%. In summary, the available evidence is currently insufficient to determine the role of this variant in disease. Therefore, it has been classified as a Variant of Uncertain Significance.

Ambry Genetics
Classification: Uncertain significance for Inborn genetic diseases. Last evaluated: 2024-03-07. Review status: criteria provided, single submitter. Criteria: Ambry Variant Classification Scheme 2023. Collection method: clinical testing. Allele origin: germline.